The following is an entry in ClinVar:

ClinVar aggregate classification (germline): Uncertain significance (1 of 4 stars; one submission).

gnomAD v4.1: 6 of 1,613,692 alleles (0.00037%); highest among the groups gnomAD compares: Non-Finnish European, 0.00051%; no homozygotes.

Submission:

Women's Health and Genetics/Laboratory Corporation of America, LabCorp
Classification: Uncertain significance. Last evaluated: 2024-05-14. Review status: criteria provided, single submitter. Criteria: LabCorp Variant Classification Summary - May 2015. Collection method: clinical testing. Allele origin: germline.
Comment: Variant summary: ALG3 c.262T>C (p.Tyr88His) results in a conservative amino acid change in the encoded protein sequence. Four of five in-silico tools predict a damaging effect of the variant on protein function. The variant allele was found at a frequency of 4e-06 in 249180 control chromosomes. The available data on variant occurrences in the general population are insufficient to allow any conclusion about variant significance. c.262T>C has been reported in the literature in individuals affected with ALG3-congenital disorder of glycosylation. These report(s) do not provide unequivocal conclusions about association of the variant with ALG3-congenital disorder of glycosylation. To our knowledge, no experimental evidence demonstrating an impact on protein function has been reported. The following publication have been ascertained in the context of this evaluation (PMID: 19862844). No submitters have cited clinical-significance assessments for this variant to ClinVar. Based on the evidence outlined above, the variant was classified as uncertain significance.

Literature cited by the submitters: PubMed 19862844.

NM_005787.6(ALG3):c.262T>C (p.Tyr88His)

Gene: ALG3 (ALG3 alpha-1,3- mannosyltransferase; minus strand). Cytogenetic location: 3q27.1.
Variant type: single nucleotide variant.
Coding change: c.262T>C on transcript NM_005787.6 (MANE Select); coding-DNA position 262, T replaced by C.
Protein change: p.Tyr88His; replaces tyrosine 88 with histidine.
Molecular consequence: missense variant. On other transcripts: non-coding transcript variant (1).
Genome position (GRCh38, 1-based): chr3:184,245,747, A>G on the plus strand (T>C on the coding strand, the complement: ALG3 is on the minus strand). VCF-style: chr3-184245747-A-G. GRCh37 (hg19) VCF-style: chr3-183963535-A-G.
Other names: c.118T>C, p.Tyr40His (NM_001006941.2); short protein forms Y40H, Y88H.
Identifiers: ClinVar variation 3335968 (VCV003335968.1).